The following is an entry in ClinVar:

NM_002474.3(MYH11):c.3683C>T (p.Thr1228Met)

Gene: MYH11 (myosin heavy chain 11; minus strand). Cytogenetic location: 16p13.11.
Variant type: single nucleotide variant.
Coding change: c.3683C>T on transcript NM_002474.3 (MANE Select); coding-DNA position 3683, C replaced by T.
Protein change: p.Thr1228Met; replaces threonine 1228 with methionine.
Molecular consequence: missense variant.
Genome position (GRCh38, 1-based): chr16:15,727,023, G>A on the plus strand (C>T on the coding strand, the complement: MYH11 is on the minus strand). VCF-style: chr16-15727023-G-A. GRCh37 (hg19) VCF-style: chr16-15820880-G-A.
Other names: c.3704C>T, p.Thr1235Met (NM_001040113.2, NM_001040114.2); c.3683C>T, p.Thr1228Met (NM_022844.3); short protein forms T1228M, T1235M.
Identifiers: ClinVar variation 519943 (VCV000519943.16), dbSNP rs755810220, ClinGen allele CA7921919.

ClinVar aggregate classification (germline): Uncertain significance. Review status: criteria provided, multiple submitters, no conflicts (2 of 4 stars). 5 submissions from 5 submitters: Uncertain significance (5). Last evaluated 2024-07-01.

Conditions:
Aortic aneurysm, familial thoracic 4 (AAT4). Also called: AORTIC ANEURYSM/AORTIC DISSECTION AND PATENT DUCTUS ARTERIOSUS. Identifiers: MedGen C1851504, MONDO:0007568, OMIM 132900.
Familial thoracic aortic aneurysm and aortic dissection (TAAD). Also called: Thoracic aortic aneurysms and dissections. Identifiers: Orphanet 91387, MedGen C4707243, MONDO:0019625.

Allele frequency attached by ClinVar (database versions not stated): gnomAD 0.00001; gnomAD exomes 0.00001 and 0.00002; TOPMed 0.00001; ExAC 0.00002.
gnomAD v4.1: 19 of 1,611,724 alleles (0.0012%); highest among the groups gnomAD compares: South Asian, 0.0022%; no homozygotes.

Submissions (5):

Ambry Genetics
Classification: Uncertain significance for Familial thoracic aortic aneurysm and aortic dissection. Last evaluated: 2024-07-01. Review status: criteria provided, single submitter. Criteria: Ambry Variant Classification Scheme 2023. Collection method: clinical testing. Allele origin: germline.
Comment: The p.T1228M variant (also known as c.3683C>T), located in coding exon 27 of the MYH11 gene, results from a C to T substitution at nucleotide position 3683. The threonine at codon 1228 is replaced by methionine, an amino acid with similar properties. This amino acid position is not well conserved in available vertebrate species. In addition, this alteration is predicted to be tolerated by in silico analysis. Since supporting evidence is limited at this time, the clinical significance of this alteration remains unclear.

All of Us Research Program, National Institutes of Health
Classification: Uncertain significance for Familial thoracic aortic aneurysm and aortic dissection. Last evaluated: 2024-06-11. Review status: criteria provided, single submitter. Criteria: ACMG Guidelines, 2015. Collection method: clinical testing. Allele origin: germline. Inheritance: Autosomal dominant inheritance. Observed: 1 variant allele, 1 heterozygote.
Comment: This missense variant replaces threonine with methionine at codon 1235 of the MYH11 protein. Computational prediction suggests that this variant may not impact protein structure and function (internally defined REVEL score threshold <= 0.5, PMID: 27666373). To our knowledge, functional studies have not been reported for this variant. This variant has not been reported in individuals affected with cardiovascular disorders in the literature. This variant has been identified in 4/251108 chromosomes in the general population by the Genome Aggregation Database (gnomAD). The available evidence is insufficient to determine the role of this variant in disease conclusively. Therefore, this variant is classified as a Variant of Uncertain Significance.

This study involves interpretation of variants in research participants for the purpose of population health screening. Participant phenotype was not available at the time of variant classification. Additional details can be found in publication PMID: 35346344, PMCID: PMC8962531

GeneDx
Classification: Uncertain significance. Last evaluated: 2024-04-09. Review status: criteria provided, single submitter. Criteria: GeneDx Variant Classification Process June 2021. Collection method: clinical testing. Allele origin: germline. Affected: yes.
Comment: Has not been previously published as pathogenic or benign to our knowledge; Not observed at significant frequency in large population cohorts (gnomAD); In silico analysis indicates that this missense variant does not alter protein structure/function

Color Diagnostics, LLC DBA Color Health
Classification: Uncertain significance for Familial thoracic aortic aneurysm and aortic dissection. Last evaluated: 2024-03-06. Review status: criteria provided, single submitter. Criteria: ACMG Guidelines, 2015. Collection method: clinical testing. Allele origin: germline.
Comment: This missense variant replaces threonine with methionine at codon 1235 of the MYH11 protein. Computational prediction suggests that this variant may not impact protein structure and function (internally defined REVEL score threshold <= 0.5, PMID: 27666373). To our knowledge, functional studies have not been reported for this variant. This variant has not been reported in individuals affected with cardiovascular disorders in the literature. This variant has been identified in 4/251108 chromosomes in the general population by the Genome Aggregation Database (gnomAD). The available evidence is insufficient to determine the role of this variant in disease conclusively. Therefore, this variant is classified as a Variant of Uncertain Significance.

Labcorp Genetics (formerly Invitae), Labcorp
Classification: Uncertain significance for Aortic aneurysm, familial thoracic 4. Last evaluated: 2022-08-23. Review status: criteria provided, single submitter. Criteria: Invitae Variant Classification Sherloc (09022015). Collection method: clinical testing. Allele origin: germline.
Comment: This sequence change replaces threonine, which is neutral and polar, with methionine, which is neutral and non-polar, at codon 1235 of the MYH11 protein (p.Thr1235Met). This variant is present in population databases (rs755810220, gnomAD 0.003%). This variant has not been reported in the literature in individuals affected with MYH11-related conditions. ClinVar contains an entry for this variant (Variation ID: 519943). Algorithms developed to predict the effect of missense changes on protein structure and function are either unavailable or do not agree on the potential impact of this missense change (SIFT: "Deleterious"; PolyPhen-2: "Possibly Damaging"; Align-GVGD: "Class C0"). In summary, the available evidence is currently insufficient to determine the role of this variant in disease. Therefore, it has been classified as a Variant of Uncertain Significance.